The following is an entry in ClinVar:

NM_001613.4(ACTA2):c.410C>T (p.Ala137Val)

Gene: ACTA2 (actin alpha 2, smooth muscle; minus strand). Cytogenetic location: 10q23.31.
Variant type: single nucleotide variant.
Coding change: c.410C>T on transcript NM_001613.4 (MANE Select); coding-DNA position 410, C replaced by T.
Protein change: p.Ala137Val; replaces alanine 137 with valine.
Molecular consequence: missense variant.
Genome position (GRCh38, 1-based): chr10:88,941,829, G>A on the plus strand (C>T on the coding strand, the complement: ACTA2 is on the minus strand). VCF-style: chr10-88941829-G-A. GRCh37 (hg19) VCF-style: chr10-90701586-G-A.
Other names: c.410C>T, p.Ala137Val (NM_001141945.3, NM_001320855.2, NM_001406462.1 and 3 more transcripts); c.299C>T, p.Ala100Val (NM_001406466.1); c.281C>T, p.Ala94Val (NM_001406467.1, NM_001406468.1, NM_001406469.1); short protein forms A137V, A100V, A94V.
Identifiers: ClinVar variation 404177 (VCV000404177.9), dbSNP rs1060500133, ClinGen allele CA16612922.

ClinVar aggregate classification (germline): Uncertain significance. Review status: criteria provided, multiple submitters, no conflicts (2 of 4 stars). 2 submissions from 2 submitters: Uncertain significance (2). Last evaluated 2026-08-03.

Conditions:
Familial thoracic aortic aneurysm and aortic dissection (TAAD). Also called: Thoracic aortic aneurysms and dissections. Identifiers: Orphanet 91387, MedGen C4707243, MONDO:0019625.
Aortic aneurysm, familial thoracic 6 (AAT6). Also called: FAMILIAL THORACIC AORTIC ANEURYSM WITH LIVEDO RETICULARIS AND IRIS FLOCCULI. Identifiers: MedGen C2673186, MONDO:0012730, OMIM 611788.

Submissions (2):

Ambry Genetics
Classification: Uncertain significance for Familial thoracic aortic aneurysm and aortic dissection. Last evaluated: 2026-08-03. Review status: criteria provided, single submitter. Criteria: Ambry Variant Classification Scheme 2023. Collection method: clinical testing. Allele origin: germline.
Comment: The p.A137V variant (also known as c.410C>T), located in coding exon 4 of the ACTA2 gene, results from a C to T substitution at nucleotide position 410. The alanine at codon 137 is replaced by valine, an amino acid with similar properties. This amino acid position is conserved. In addition, this alteration is predicted to be deleterious by in silico analysis. Based on the available evidence, the clinical significance of this variant remains unclear.

Labcorp Genetics (formerly Invitae), Labcorp
Classification: Uncertain significance for Aortic aneurysm, familial thoracic 6. Last evaluated: 2020-02-07. Review status: criteria provided, single submitter. Criteria: Invitae Variant Classification Sherloc (09022015). Collection method: clinical testing. Allele origin: germline.
Comment: In summary, this variant is a novel missense change with uncertain impact on protein function. It has been classified as a Variant of Uncertain Significance. Algorithms developed to predict the effect of missense changes on protein structure and function do not agree on the potential impact of this missense change (SIFT: "Deleterious"; PolyPhen-2: "Possibly Damaging"; Align-GVGD: "Class C0"). This variant is not present in population databases (ExAC no frequency) and has not been reported in the literature in individuals with an ACTA2-related disease. This sequence change replaces alanine with valine at codon 137 of the ACTA2 protein (p.Ala137Val). The alanine residue is highly conserved and there is a small physicochemical difference between alanine and valine.